The following is an entry in ClinVar:

ClinVar aggregate classification (germline): Benign. Review status: criteria provided, multiple submitters, no conflicts (2 of 4 stars). 7 submissions from 7 submitters: Benign (6). 1 of the submissions does not count toward it. Last evaluated 2026-02-04.

Conditions:
Tyrosinase-positive oculocutaneous albinism (OCA2). Also called: ALBINISM II; Oculocutaneous albinism type 2; Albinism, oculocutaneous, type II. Identifiers: Orphanet 79432, MedGen C0268495, MONDO:0008746, OMIM 203200.
SKIN/HAIR/EYE PIGMENTATION 1, BLUE/NONBLUE EYES (SHEP1). Also called: BROWN EYE COLOR 2; SKIN/HAIR/EYE PIGMENTATION 1, BLOND/BROWN HAIR; SKIN/HAIR/EYE PIGMENTATION 1, BLUE/BROWN EYES; EYE COLOR 3; EYE COLOR, BLUE/NONBLUE; EYE COLOR, BROWN/BLUE. Identifiers: MedGen C1856895, OMIM 227220.

Allele frequency attached by ClinVar (database versions not stated): 1000 Genomes Project 0.02536; 1000 Genomes Project 30x 0.02655; ExAC 0.04471; gnomAD exomes 0.04691 and 0.07007; TOPMed 0.04802; gnomAD 0.04843 and 0.04917.

Submissions (7):

Labcorp Genetics (formerly Invitae), Labcorp
Classification: Benign. Last evaluated: 2026-02-04. Review status: criteria provided, single submitter. Criteria: Invitae Variant Classification Sherloc (09022015). Collection method: clinical testing. Allele origin: germline.

Blueprint Genetics
Classification: Benign. Last evaluated: 2024-11-27. Review status: criteria provided, single submitter. Criteria: ACMG Guidelines, 2015. Collection method: clinical testing. Allele origin: germline.

Illumina Laboratory Services, Illumina
Classification: Benign for Tyrosinase-positive oculocutaneous albinism. Last evaluated: 2018-03-06. Review status: criteria provided, single submitter. Criteria: ICSL Variant Classification Criteria 13 December 2019. Collection method: clinical testing. Allele origin: germline.
Comment: This variant was observed in the ICSL laboratory as part of a predisposition screen in an ostensibly healthy population. It had not been previously curated by ICSL or reported in the Human Gene Mutation Database (HGMD: prior to June 1st, 2018), and was therefore a candidate for classification through an automated scoring system. Utilizing variant allele frequency, disease prevalence and penetrance estimates, and inheritance mode, an automated score was calculated to assess if this variant is too frequent to cause the disease. Based on the score and internal cut-off values, a variant classified as benign is not then subjected to further curation. The score for this variant resulted in a classification of benign for this disease.

Eurofins Ntd Llc (ga)
Classification: Benign. Last evaluated: 2015-09-17. Review status: criteria provided, single submitter. Criteria: EGL Classification Definitions 2015. Collection method: clinical testing. Allele origin: germline.

Breakthrough Genomics
Classification: Benign. Review status: criteria provided, single submitter. Criteria: ACMG Guidelines, 2015. Collection method: not provided. Allele origin: germline. Inheritance: Autosomal recessive inheritance. Affected: yes.

PreventionGenetics, part of Exact Sciences
Classification: Benign. Review status: criteria provided, single submitter. Criteria: ACMG Guidelines, 2015. Collection method: clinical testing. Allele origin: germline.

OMIM
Classification: Affects for SKIN/HAIR/EYE PIGMENTATION 1, BLUE/NONBLUE EYES. Last evaluated: 2008-02-01. Review status: no assertion criteria provided. Collection method: literature only. Allele origin: germline. Not counted in ClinVar's aggregate classification.

Literature cited by the submitters: PubMed 12163334 (cited by OMIM); PubMed 15889046 (cited by OMIM); PubMed 18252222 (cited by OMIM).

NM_000275.3(OCA2):c.1256G>A (p.Arg419Gln)

Gene: OCA2 (OCA2 melanosomal transmembrane protein; minus strand). Cytogenetic location: 15q13.1.
Variant type: single nucleotide variant.
Coding change: c.1256G>A on transcript NM_000275.3 (MANE Select); coding-DNA position 1256, G replaced by A.
Protein change: p.Arg419Gln; replaces arginine 419 with glutamine.
Molecular consequence: missense variant.
Genome position (GRCh38, 1-based): chr15:27,985,172, C>T on the plus strand (G>A on the coding strand, the complement: OCA2 is on the minus strand). VCF-style: chr15-27985172-C-T. GRCh37 (hg19) VCF-style: chr15-28230318-C-T.
Other names: c.1184G>A, p.Arg395Gln (NM_001300984.2); short protein forms R419Q, R395Q.
Identifiers: ClinVar variation 963 (VCV000000963.20), dbSNP rs1800407, ClinGen allele CA114680.
Genomic context (GRCh38, chr15:27,985,172, plus strand): 5'-AAGGCAGAGAGGACGGCCGCGATGAGACAGAGCATGATGATCATGGCCCACACCCGTCCC[C>T]GGGAGAGCCGGTATGCCTGGCCACACACACACAGAGAGAGTACAAGCCAGAGTGAGCAGG-3'
Protein context (NP_000266.2, residues 409-429): YCAVKAYRLS[Arg419Gln]GRVWAMIIML